The following is an entry in ClinVar:

NM_024675.4(PALB2):c.1954_1956del (p.Ser652del)

Gene: PALB2 (partner and localizer of BRCA2; minus strand). Cytogenetic location: 16p12.2.
Variant type: Deletion.
Coding change: c.1954_1956del on transcript NM_024675.4 (MANE Select); coding-DNA positions 1954 to 1956, 3 bases deleted (AGC; older notation c.1954_1956delAGC).
Protein change: p.Ser652del; deletes serine 652.
Molecular consequence: inframe deletion. On other transcripts: intron variant (1).
Genome position (GRCh38, 1-based): chr16:23,630,198-23,630,200, GCT deleted on the plus strand (AGC on the coding strand, the reverse complement: PALB2 is on the minus strand). VCF-style (leftmost placement, unchanged base first): chr16-23630197-AGCT-A. GRCh37 (hg19) VCF-style: chr16-23641518-AGCT-A.
Other names: c.1894_1896del, p.Ser632del (NM_001407296.1); c.1954_1956del, p.Ser652del (NM_001407297.1, NM_001407298.1, NM_001407299.1 and 3 more transcripts); c.1069_1071del, p.Ser357del (NM_001407304.1, NM_001407305.1, NM_001407306.1 and 5 more transcripts); c.166_168del, p.Ser56del (NM_001407312.1, NM_001407313.1); c.49-925_49-923del (NM_001407314.1); short protein forms S56del, S632del, S357del, S652del.
Identifiers: ClinVar variation 2773012 (VCV002773012.3), dbSNP rs2506429203, ClinGen allele CA2697555722.

ClinVar aggregate classification (germline): Uncertain significance (1 of 4 stars; one submission).

Conditions:
Familial cancer of breast. Also called: hereditary breast carcinoma; BREAST CANCER, FAMILIAL; Hereditary breast cancer. Identifiers: Orphanet 227535, MedGen C0346153, MONDO:0016419, OMIM 114480. Disease mechanism: loss of function.

Submission:

Labcorp Genetics (formerly Invitae), Labcorp
Classification: Uncertain significance for Familial cancer of breast. Last evaluated: 2023-06-12. Review status: criteria provided, single submitter. Criteria: Invitae Variant Classification Sherloc (09022015). Collection method: clinical testing. Allele origin: germline.
Comment: Experimental studies and prediction algorithms are not available or were not evaluated, and the functional significance of this variant is currently unknown. In summary, the available evidence is currently insufficient to determine the role of this variant in disease. Therefore, it has been classified as a Variant of Uncertain Significance. This variant has not been reported in the literature in individuals affected with PALB2-related conditions. This variant is not present in population databases (gnomAD no frequency). This variant, c.1954_1956del, results in the deletion of 1 amino acid(s) of the PALB2 protein (p.Ser652del), but otherwise preserves the integrity of the reading frame.